The following is an entry in ClinVar:

GRCh37/hg19 2q22.1-22.2(chr2:141632103-142270676)x1

Gene: LRP1B (LDL receptor related protein 1B; minus strand). Cytogenetic location: 2q22.1-22.2.
Variant type: copy number loss.
Change: copy number 1 (one copy instead of two) of chr2:141,632,103-142,270,676 (638.6 kb, GRCh37 coordinates, 1-based), cytogenetic band 2q22.1-22.2.
Identifiers: ClinVar variation 638137 (VCV000638137.2).

ClinVar aggregate classification (germline): Likely benign (1 of 4 stars; one submission).

Submission:

Clinical Genomics Laboratory, Laboratory for Precision Diagnostics, University of Washington
Classification: Likely benign. Last evaluated: 2018-08-14. Review status: criteria provided, single submitter. Criteria: Clinical Cytogenomics Laboratory Policy on CNV Interpretation. Collection method: clinical testing. Allele origin: unknown. Affected: yes. Observed: 1 variant allele.